The following is an entry in ClinVar:

NM_018975.4(TERF2IP):c.197A>G (p.Gln66Arg)

Gene: TERF2IP (TERF2 interacting protein; plus strand). Cytogenetic location: 16q23.1.
Variant type: single nucleotide variant.
Coding change: c.197A>G on transcript NM_018975.4 (MANE Select); coding-DNA position 197, A replaced by G.
Protein change: p.Gln66Arg; replaces glutamine 66 with arginine.
Molecular consequence: missense variant. On other transcripts: non-coding transcript variant (1).
Genome position (GRCh38, 1-based): chr16:75,648,079, A>G. VCF-style: chr16-75648079-A-G. GRCh37 (hg19) VCF-style: chr16-75681977-A-G.
Other names: short protein forms Q66R.
Identifiers: ClinVar variation 1783770 (VCV001783770.4), dbSNP rs2507072944, ClinGen allele CA396817418.
Genomic context (GRCh38, chr16:75,648,079, plus strand): 5'-TCCTGCACGGCGGCGGCACCGTGTGCCGAGTGCAGGAGCCCGGGGCCGTGCTGCTGGCCC[A>G]GCCCGGGGAGGCGCTGGCCGAGGCCTCGGGTGATTTCATCTCCACGCAGTACATCCTGGA-3'
Protein context (NP_061848.2, residues 56-76): VQEPGAVLLA[Gln66Arg]PGEALAEASG

ClinVar aggregate classification (germline): Uncertain significance. Review status: criteria provided, multiple submitters, no conflicts (2 of 4 stars). 2 submissions from 2 submitters: Uncertain significance (2). Last evaluated 2025-03-04.

gnomAD v4.1: 1 of 1,574,090 alleles (0.000064%); highest among the groups gnomAD compares: Non-Finnish European, 0.000086%; no homozygotes.

Submissions (2):

Center for Genomic Medicine, Rigshospitalet, Copenhagen University Hospital
Classification: Uncertain significance. Last evaluated: 2025-03-04. Review status: criteria provided, single submitter. Criteria: ACMG Guidelines, 2015. Collection method: clinical testing. Allele origin: germline.

Ambry Genetics
Classification: Uncertain significance. Last evaluated: 2022-09-28. Review status: criteria provided, single submitter. Criteria: Ambry Variant Classification Scheme 2023. Collection method: clinical testing. Allele origin: germline.
Comment: The p.Q66R variant (also known as c.197A>G), located in coding exon 1 of the TERF2IP gene, results from an A to G substitution at nucleotide position 197. The glutamine at codon 66 is replaced by arginine, an amino acid with highly similar properties. This amino acid position is conserved. In addition, this alteration is predicted to be tolerated by in silico analysis. Since supporting evidence is limited at this time, the clinical significance of this alteration remains unclear.